The following is an entry in ClinVar:

ClinVar aggregate classification (germline): Uncertain significance (1 of 4 stars; one submission).

Conditions:
Centromeric instability of chromosomes 1,9 and 16 and immunodeficiency (ICF1). Also called: IMMUNE DEFICIENCY, VARIABLE, WITH CENTROMERIC INSTABILITY OF CHROMOSOMES 1, 9, AND 16; IMMUNODEFICIENCY SYNDROME, VARIABLE; Immunodeficiency-centromeric instability-facial anomalies; CENTROMERIC INSTABILITY, IMMUNODEFICIENCY SYNDROME. Identifiers: Orphanet 2268, MedGen C0398788, MONDO:0000133.

Allele frequency attached by ClinVar (database versions not stated): gnomAD exomes below 0.00001; ExAC 0.00001.
gnomAD v4.1: 7 of 1,614,196 alleles (0.00043%); highest among the groups gnomAD compares: Non-Finnish European, 0.00059%; no homozygotes.

Submission:

Labcorp Genetics (formerly Invitae), Labcorp
Classification: Uncertain significance for Centromeric instability of chromosomes 1,9 and 16 and immunodeficiency. Last evaluated: 2025-10-21. Review status: criteria provided, single submitter. Criteria: Invitae Variant Classification Sherloc (09022015). Collection method: clinical testing. Allele origin: germline.
Comment: This sequence change replaces glycine, which is neutral and non-polar, with valine, which is neutral and non-polar, at codon 347 of the DNMT3B protein (p.Gly347Val). This variant is present in population databases (rs770469129, gnomAD 0.0009%). This variant has not been reported in the literature in individuals affected with DNMT3B-related conditions. ClinVar contains an entry for this variant (Variation ID: 1014409). Invitae Evidence Modeling of protein sequence and biophysical properties (such as structural, functional, and spatial information, amino acid conservation, physicochemical variation, residue mobility, and thermodynamic stability) indicates that this missense variant is expected to disrupt DNMT3B protein function with a positive predictive value of 95%. In summary, the available evidence is currently insufficient to determine the role of this variant in disease. Therefore, it has been classified as a Variant of Uncertain Significance.

NM_006892.4(DNMT3B):c.1040G>T (p.Gly347Val)

Gene: DNMT3B (DNA methyltransferase 3 beta; plus strand). Cytogenetic location: 20q11.21.
Variant type: single nucleotide variant.
Coding change: c.1040G>T on transcript NM_006892.4 (MANE Select); coding-DNA position 1040, G replaced by T.
Protein change: p.Gly347Val; replaces glycine 347 with valine.
Molecular consequence: missense variant.
Genome position (GRCh38, 1-based): chr20:32,792,744, G>T. VCF-style: chr20-32792744-G-T. GRCh37 (hg19) VCF-style: chr20-31380550-G-T.
Other names: c.914G>T, p.Gly305Val (NM_001207055.2); c.812G>T, p.Gly271Val (NM_001207056.2); c.1040G>T, p.Gly347Val (NM_175848.2, NM_175849.2); c.1076G>T, p.Gly359Val (NM_175850.3); short protein forms G271V, G305V, G347V, G359V.
Identifiers: ClinVar variation 1014409 (VCV001014409.7), dbSNP rs770469129, ClinGen allele CA9810377.